The following is an entry in ClinVar:

NM_002528.7(NTHL1):c.693C>G (p.Asp231Glu)

Gene: NTHL1 (nth like DNA glycosylase 1; minus strand). Cytogenetic location: 16p13.3.
Variant type: single nucleotide variant.
Coding change: c.693C>G on transcript NM_002528.7 (MANE Select); coding-DNA position 693, C replaced by G.
Protein change: p.Asp231Glu; replaces aspartic acid 231 with glutamic acid.
Molecular consequence: missense variant.
Genome position (GRCh38, 1-based): chr16:2,040,231, G>C on the plus strand (C>G on the coding strand, the complement: NTHL1 is on the minus strand). VCF-style: chr16-2040231-G-C. GRCh37 (hg19) VCF-style: chr16-2090232-G-C.
Other names: c.522C>G, p.Asp174Glu (NM_001318193.2); c.363C>G, p.Asp121Glu (NM_001318194.2); short protein forms D121E, D174E, D231E.
Identifiers: ClinVar variation 1006563 (VCV001006563.8), dbSNP rs750490014, ClinGen allele CA394289358.

ClinVar aggregate classification (germline): Uncertain significance (1 of 4 stars; one submission).

Submission:

Labcorp Genetics (formerly Invitae), Labcorp
Classification: Uncertain significance. Last evaluated: 2022-06-09. Review status: criteria provided, single submitter. Criteria: Invitae Variant Classification Sherloc (09022015). Collection method: clinical testing. Allele origin: germline.
Comment: This sequence change replaces aspartic acid, which is acidic and polar, with glutamic acid, which is acidic and polar, at codon 239 of the NTHL1 protein (p.Asp239Glu). This variant is not present in population databases (gnomAD no frequency). This variant has not been reported in the literature in individuals affected with NTHL1-related conditions. ClinVar contains an entry for this variant (Variation ID: 1006563). Algorithms developed to predict the effect of missense changes on protein structure and function are either unavailable or do not agree on the potential impact of this missense change (SIFT: "Not Available"; PolyPhen-2: "Probably Damaging"; Align-GVGD: "Not Available"). In summary, the available evidence is currently insufficient to determine the role of this variant in disease. Therefore, it has been classified as a Variant of Uncertain Significance.